The following is an entry in ClinVar:

ClinVar aggregate classification (germline): Uncertain significance (1 of 4 stars; one submission).

Allele frequency attached by ClinVar (database versions not stated): gnomAD exomes below 0.00001; 1000 Genomes Project 30x 0.00016; 1000 Genomes Project 0.00020.
gnomAD v4.1: 5 of 1,613,730 alleles (0.00031%); highest among the groups gnomAD compares: Admixed American, 0.0067%; no homozygotes.

Submission:

Labcorp Genetics (formerly Invitae), Labcorp
Classification: Uncertain significance. Last evaluated: 2022-07-15. Review status: criteria provided, single submitter. Criteria: Invitae Variant Classification Sherloc (09022015). Collection method: clinical testing. Allele origin: germline.
Comment: This sequence change replaces isoleucine, which is neutral and non-polar, with valine, which is neutral and non-polar, at codon 186 of the ADAMTSL4 protein (p.Ile186Val). This variant is present in population databases (rs201559783, gnomAD 0.003%). This variant has not been reported in the literature in individuals affected with ADAMTSL4-related conditions. Algorithms developed to predict the effect of missense changes on protein structure and function output the following: SIFT: "Tolerated"; PolyPhen-2: "Benign"; Align-GVGD: "Class C0". The valine amino acid residue is found in multiple mammalian species, which suggests that this missense change does not adversely affect protein function. In summary, the available evidence is currently insufficient to determine the role of this variant in disease. Therefore, it has been classified as a Variant of Uncertain Significance.

NM_019032.6(ADAMTSL4):c.556A>G (p.Ile186Val)

Genes: ADAMTSL4 (ADAMTS like 4; plus strand), ADAMTSL4-AS2 (ADAMTSL4 antisense RNA 2; minus strand). Cytogenetic location: 1q21.2.
Variant type: single nucleotide variant.
Coding change: c.556A>G on transcript NM_019032.6 (MANE Select); coding-DNA position 556, A replaced by G.
Protein change: p.Ile186Val; replaces isoleucine 186 with valine.
Molecular consequence: missense variant.
Genome position (GRCh38, 1-based): chr1:150,553,547, A>G. VCF-style: chr1-150553547-A-G. GRCh37 (hg19) VCF-style: chr1-150526023-A-G.
Other names: c.556A>G, p.Ile186Val (NM_001288608.2, NM_001378596.1, NM_025008.5 and 1 more transcripts); short protein forms I186V.
Identifiers: ClinVar variation 1974001 (VCV001974001.2), dbSNP rs201559783, ClinGen allele CA30066586.
Genomic context (GRCh38, chr1:150,553,547, plus strand): 5'-TTGCCACTGCACCGGAACCGCAGGCACCCTCGGAGCCCACCCAGATCTGAGCTGTCCCTG[A>G]TCTCTTCTAGAGGGGAAGAGGCTATTCCGTCCCCTACTCCAAGAGCAGAGCCATTCTCCG-3'
Protein context (NP_061905.2, residues 176-196): RSPPRSELSL[Ile186Val]SSRGEEAIPS